The following is an entry in ClinVar:

ClinVar aggregate classification (germline): Benign. Review status: criteria provided, multiple submitters, no conflicts (2 of 4 stars). 2 submissions from 2 submitters: Benign (2). Last evaluated 2019-10-16.

Allele frequency attached by ClinVar (database versions not stated): ESP Exome Variant Server 0.00504; gnomAD exomes 0.02134 and 0.05485; gnomAD 0.02423 and 0.02945; TOPMed 0.02874; 1000 Genomes Project 30x 0.08729; 1000 Genomes Project 0.09165; ExAC 0.10025.
gnomAD v4.1: 35,379 of 1,577,646 alleles (2.2%); highest among the groups gnomAD compares: East Asian, 23%; 2,053 homozygotes.

Submissions (2):

GeneDx
Classification: Benign. Last evaluated: 2019-10-16. Review status: criteria provided, single submitter. Criteria: GeneDx Variant Classification Process June 2021. Collection method: clinical testing. Allele origin: germline. Affected: yes.
Comment: This variant is associated with the following publications: (PMID: 30255815)

Breakthrough Genomics
Classification: Benign. Review status: criteria provided, single submitter. Criteria: ACMG Guidelines, 2015. Collection method: not provided. Allele origin: germline. Inheritance: Unknown mechanism. Affected: yes.

NM_001077594.2(EXOC3L4):c.1126G>T (p.Ala376Ser)

Gene: EXOC3L4 (exocyst complex component 3 like 4; plus strand). Cytogenetic location: 14q32.32.
Variant type: single nucleotide variant.
Coding change: c.1126G>T on transcript NM_001077594.2 (MANE Select); coding-DNA position 1126, G replaced by T.
Protein change: p.Ala376Ser; replaces alanine 376 with serine.
Molecular consequence: missense variant.
Genome position (GRCh38, 1-based): chr14:103,104,017, G>T. VCF-style: chr14-103104017-G-T. GRCh37 (hg19) VCF-style: chr14-103570354-G-T.
Other names: c.1126G>T, p.Ala376Ser (NM_001394941.1, NM_001394942.1); short protein forms A376S.
Identifiers: ClinVar variation 1236643 (VCV001236643.4), dbSNP rs117708804, ClinGen allele CA7362040.
Genomic context (GRCh38, chr14:103,104,017, plus strand): 5'-GCCCCGGGGCTGGCGCTGCCCGCCGAGCCGCTGCCTCCGCTCCTGGCGCCGGACGTGTGG[G>T]CCCGACTGGAGAGCGACTACACCAGCTTCCTGGAGGTCAGGCCGGGCGGGTCAGGCTGGG-3'
Protein context (NP_001071062.1, residues 366-386): LPPLLAPDVW[Ala376Ser]RLESDYTSFL